The following is an entry in ClinVar:

ClinVar aggregate classification (germline): Likely benign (1 of 4 stars; one submission).

Submission:

CeGaT Center for Human Genetics Tuebingen
Classification: Likely benign. Last evaluated: 2022-12-01. Review status: criteria provided, single submitter. Criteria: CeGaT Center For Human Genetics Tuebingen Variant Classification Criteria Version 2. Collection method: clinical testing. Allele origin: germline. Affected: yes. Observed: 1 variant allele.
Comment: TERT: PM2:Supporting, BP4, BP7

NM_198253.3(TERT):c.2841C>T (p.Ser947=)

Gene: TERT (telomerase reverse transcriptase; minus strand). Cytogenetic location: 5p15.33.
Variant type: single nucleotide variant.
Coding change: c.2841C>T on transcript NM_198253.3 (MANE Select); coding-DNA position 2841, C replaced by T.
Protein change: p.Ser947=; no amino-acid change (serine 947 retained).
Molecular consequence: synonymous variant. On other transcripts: intron variant (1).
Genome position (GRCh38, 1-based): chr5:1,264,406, G>A on the plus strand (C>T on the coding strand, the complement: TERT is on the minus strand). VCF-style: chr5-1264406-G-A. GRCh37 (hg19) VCF-style: chr5-1264521-G-A.
Other names: c.2841C>T, p.Ser947= (NM_003219.1); c.2654+2058C>T (NM_001193376.3).
Identifiers: ClinVar variation 2655274 (VCV002655274.24), dbSNP rs2478152382, ClinGen allele CA443021565.
Genomic context (GRCh38, chr5:1,264,406, plus strand): 5'-CTGCAGCAGCACCTGCCCCAGCCGGGCACAGGCTCCACTTCCGGCCAGGTGCGCTCACCT[G>A]GAGTAGTCGCTCTGCACCTCCAGGGTCCGGGTATCCAGCAGCAGGCCGCACCAGGGGAAT-3'
Protein context (NP_937983.2, residues 937-957): TRTLEVQSDY[Ser947=]SYARTSIRAS